The following is an entry in ClinVar:

NM_001854.4(COL11A1):c.1529C>T (p.Ser510Phe)

Gene: COL11A1 (collagen type XI alpha 1 chain; minus strand). Cytogenetic location: 1p21.1.
Variant type: single nucleotide variant.
Coding change: c.1529C>T on transcript NM_001854.4 (MANE Select); coding-DNA position 1529, C replaced by T.
Protein change: p.Ser510Phe; replaces serine 510 with phenylalanine.
Molecular consequence: missense variant. On other transcripts: non-coding transcript variant (1).
Genome position (GRCh38, 1-based): chr1:103,014,554, G>A on the plus strand (C>T on the coding strand, the complement: COL11A1 is on the minus strand). VCF-style: chr1-103014554-G-A. GRCh37 (hg19) VCF-style: chr1-103480110-G-A.
Other names: c.1412C>T, p.Ser471Phe (NM_001190709.2); c.1565C>T, p.Ser522Phe (NM_080629.3); c.1181C>T, p.Ser394Phe (NM_080630.4); short protein forms S394F, S471F, S510F, S522F.
Identifiers: ClinVar variation 4853726 (VCV004853726.1).

ClinVar aggregate classification (germline): Uncertain significance (1 of 4 stars; one submission).

Submission:

Women's Health and Genetics/Laboratory Corporation of America, LabCorp
Classification: Uncertain significance. Last evaluated: 2026-05-21. Review status: criteria provided, single submitter. Criteria: LabCorp Variant Classification Summary - May 2015. Collection method: clinical testing. Allele origin: germline.
Comment: Variant summary: COL11A1 c.1529C>T (p.Ser510Phe) results in a non-conservative amino acid change in the encoded protein sequence. Algorithms developed to predict the effect of missense changes on protein structure and function all suggest that this variant is likely to be disruptive. The variant was absent in 251246 control chromosomes. The available data on variant occurrences in the general population are insufficient to allow any conclusion about variant significance. To our knowledge, no occurrence of c.1529C>T in individuals affected with COL11A1-related conditions and no experimental evidence demonstrating its impact on protein function have been reported. No submitters have cited clinical-significance assessments for this variant to ClinVar. Based on the evidence outlined above, the variant was classified as uncertain significance.